The following is an entry in ClinVar:

NM_004287.5(GOSR2):c.539G>A (p.Arg180Gln)

Genes: GOSR2 (golgi SNAP receptor complex member 2; plus strand), LRRC37A2 (leucine rich repeat containing 37 member A2). Cytogenetic location: 17q21.32.
Variant type: single nucleotide variant.
Coding change: c.539G>A on transcript NM_004287.5 (MANE Select); coding-DNA position 539, G replaced by A.
Protein change: p.Arg180Gln; replaces arginine 180 with glutamine.
Molecular consequence: missense variant. On other transcripts: non-coding transcript variant (3).
Genome position (GRCh38, 1-based): chr17:46,938,660, G>A. VCF-style: chr17-46938660-G-A. GRCh37 (hg19) VCF-style: chr17-45016026-G-A.
Other names: c.539G>A, p.Arg180Gln (NM_001321133.2, NM_054022.4); c.344G>A, p.Arg115Gln (NM_001321134.2); c.398G>A, p.Arg133Gln (NM_001330252.2); c.536G>A, p.Arg179Gln (NM_001353114.2); c.395G>A, p.Arg132Gln (NM_001353115.2, NM_001353116.2); c.485G>A, p.Arg162Gln (NM_001363851.2); short protein forms R115Q, R162Q, R133Q, R179Q, R132Q, R180Q.
Identifiers: ClinVar variation 1523387 (VCV001523387.6), dbSNP rs1348639194, ClinGen allele CA400019033.
Genomic context (GRCh38, chr17:46,938,660, plus strand): 5'-GGACTCAGAAGAAGATCCTTGACATTGCCAACATGCTGGGCTTGTCCAACACAGTGATGC[G>A]GCTCATCGAGAAGCGGGCTTTCCAGGACAAGTACTTTATGATAGGTGGGATGCTGCTGAC-3'
Protein context (NP_004278.2, residues 170-190): NMLGLSNTVM[Arg180Gln]LIEKRAFQDK

ClinVar aggregate classification (germline): Uncertain significance (1 of 4 stars; one submission).

Conditions:
Progressive myoclonic epilepsy. Also called: Myoclonus epilepsy; Progressive myoclonus epilepsy; Familial progressive myoclonic epilepsy; Myoclonic Epilepsies, Progressive. Identifiers: Orphanet 308, Orphanet 98261, MedGen C0751778, MONDO:0020074.

Allele frequency attached by ClinVar (database versions not stated): gnomAD exomes below 0.00001.
gnomAD v4.1: 2 of 1,614,062 alleles (0.00012%); highest among the groups gnomAD compares: Admixed American, 0.0017%; no homozygotes.

Submission:

Labcorp Genetics (formerly Invitae), Labcorp
Classification: Uncertain significance for Progressive myoclonic epilepsy. Last evaluated: 2025-06-16. Review status: criteria provided, single submitter. Criteria: Invitae Variant Classification Sherloc (09022015). Collection method: clinical testing. Allele origin: germline.
Comment: This sequence change replaces arginine, which is basic and polar, with glutamine, which is neutral and polar, at codon 180 of the GOSR2 protein (p.Arg180Gln). This variant is present in population databases (no rsID available, gnomAD 0.003%). This variant has not been reported in the literature in individuals affected with GOSR2-related conditions. ClinVar contains an entry for this variant (Variation ID: 1523387). An algorithm developed to predict the effect of missense changes on protein structure and function (PolyPhen-2) suggests that this variant is likely to be tolerated. In summary, the available evidence is currently insufficient to determine the role of this variant in disease. Therefore, it has been classified as a Variant of Uncertain Significance.